The following is an entry in ClinVar:

ClinVar aggregate classification (germline): Uncertain significance. Review status: criteria provided, single submitter (1 of 4 stars). 2 submissions from 2 submitters: Uncertain significance (1). 1 of the submissions does not count toward it. Last evaluated 2026-03-08.

Conditions:
HUWE1-related disorder. Also called: HUWE1-related condition.

Submissions (2):

GeneDx
Classification: Uncertain significance. Last evaluated: 2026-03-08. Review status: criteria provided, single submitter. Criteria: GeneDx Variant Classification Process June 2021. Collection method: clinical testing. Allele origin: germline.
Comment: Not observed at significant frequency in large population cohorts (gnomAD); In silico analysis suggests that this missense variant does not alter protein structure/function; Has not been previously published as pathogenic or benign to our knowledge

PreventionGenetics, part of Exact Sciences
Classification: Uncertain significance for HUWE1-related condition. Last evaluated: 2023-11-02. Review status: no assertion criteria provided. Collection method: clinical testing. Allele origin: germline. Not counted in ClinVar's aggregate classification.
Comment: The HUWE1 c.2338A>G variant is predicted to result in the amino acid substitution p.Ile780Val. To our knowledge, this variant has not been reported in the literature or in a large population database, indicating this variant is rare. At this time, the clinical significance of this variant is uncertain due to the absence of conclusive functional and genetic evidence.

NM_031407.7(HUWE1):c.2338A>G (p.Ile780Val)

Gene: HUWE1 (HECT, UBA and WWE domain containing E3 ubiquitin protein ligase 1; minus strand). Cytogenetic location: Xp11.22.
Variant type: single nucleotide variant.
Coding change: c.2338A>G on transcript NM_031407.7 (MANE Select); coding-DNA position 2338, A replaced by G.
Protein change: p.Ile780Val; replaces isoleucine 780 with valine.
Molecular consequence: missense variant.
Genome position (GRCh38, 1-based): chrX:53,607,681, T>C on the plus strand (A>G on the coding strand, the complement: HUWE1 is on the minus strand). VCF-style: chrX-53607681-T-C. GRCh37 (hg19) VCF-style: chrX-53634642-T-C.
Other names: c.2338A>G (NM_031407.4); short protein forms I780V.
Identifiers: ClinVar variation 3054699 (VCV003054699.3), dbSNP rs2527047470, ClinGen allele CA413181990.